The following is an entry in ClinVar:

NM_014239.4(EIF2B2):c.877dup (p.Glu293fs)

Gene: EIF2B2 (eukaryotic translation initiation factor 2B subunit beta; plus strand). Cytogenetic location: 14q24.3.
Variant type: Duplication.
Coding change: c.877dup on transcript NM_014239.4 (MANE Select); coding-DNA position 877, one base duplicated (G; older notation c.877dupG).
Protein change: p.Glu293fs; shifts the reading frame from glutamic acid 293.
Molecular consequence: frameshift variant.
Genome position (GRCh38, 1-based): chr14:75,007,767, G duplicated. VCF-style (leftmost placement, unchanged base first): chr14-75007766-A-AG. GRCh37 (hg19) VCF-style: chr14-75474469-A-AG.
Other names: c.877dupG (NM_014239.4); short protein forms E293fs.
Identifiers: ClinVar variation 3768546 (VCV003768546.1).

ClinVar aggregate classification (germline): Pathogenic (1 of 4 stars; one submission).

Conditions:
Vanishing white matter disease. Also called: CACH syndrome; Childhood ataxia with diffuse central nervous system hypomyelination; Leukoencephalopathy with vanishing white matter; CACH/VWM syndrome; Cree leukoencehalopathy. Identifiers: Orphanet 135, Orphanet 99853, MedGen C1858991, MONDO:0800448.

Submission:

Women's Health and Genetics/Laboratory Corporation of America, LabCorp
Classification: Pathogenic for Vanishing white matter disease. Last evaluated: 2024-12-17. Review status: criteria provided, single submitter. Criteria: LabCorp Variant Classification Summary - May 2015. Collection method: clinical testing. Allele origin: germline.
Comment: Variant summary: EIF2B2 c.877dupG (p.Glu293Glyfs*22) results in a premature termination codon, predicted to cause a truncation of the encoded protein or absence of the protein. The variant was absent in 251384 control chromosomes. To our knowledge, no occurrence of c.877dupG in individuals affected with Leukoencephalopathy With Vanishing White Matter and no experimental evidence demonstrating its impact on protein function have been reported. However, variants downstream of this position have been classified as pathogenic by our laboratory and in ClinVar. No submitters have cited clinical-significance assessments for this variant to ClinVar. Based on the evidence outlined above, the variant was classified as pathogenic.